The following is an entry in ClinVar:

NM_001754.5(RUNX1):c.54dup (p.Arg19fs)

Gene: RUNX1 (RUNX family transcription factor 1; minus strand). Cytogenetic location: 21q22.12.
Variant type: Duplication.
Coding change: c.54dup on transcript NM_001754.5 (MANE Select); coding-DNA position 54, one base duplicated (G; older notation c.54dupG).
Protein change: p.Arg19fs; shifts the reading frame from arginine 19.
Molecular consequence: frameshift variant.
Genome position (GRCh38, 1-based): chr21:35,048,846, C duplicated on the plus strand (G on the coding strand, the reverse complement: RUNX1 is on the minus strand). VCF-style (leftmost placement, unchanged base first): chr21-35048845-T-TC. GRCh37 (hg19) VCF-style: chr21-36421142-T-TC.
Other names: NM_001754.5(RUNX1):c.54dup; p.Arg19fs; short protein forms R19fs.
Identifiers: ClinVar variation 2815871 (VCV002815871.4), dbSNP rs2517383895, ClinGen allele CA2739267620.
Genomic context (GRCh38, chr21:35,048,845, plus strand): 5'-TTTCATTACAGGCAAAGCTGAGCAAAAGTAGATATTACAAGACCAGCATGTACTCACCTC[T>TC]CATGAAGCACTGTGGGTACGAAGGAAATGACTCAAATATGCTGTCTGAAGCCATCGCTTC-3'

ClinVar aggregate classification (germline): Uncertain significance. Review status: reviewed by expert panel (3 of 4 stars). 2 submissions from 2 submitters: Uncertain significance (1). 1 of the submissions does not count toward it. Last evaluated 2024-09-30.

Conditions:
Hereditary thrombocytopenia and hematologic cancer predisposition syndrome. Identifiers: Orphanet 71290, MedGen CN281654, MONDO:0011071.
Hereditary thrombocytopenia and hematological cancer predisposition syndrome associated with RUNX1. Also called: Familial Platelet Disorder with Propensity to Acute Myelogenous Leukemia; Familial thrombocytopenia with propensity to acute myelogenous leukemia; PLATELET DISORDER, ASPIRIN-LIKE; RUNX1 Familial Platelet Disorder with Associated Myeloid Malignancies. Identifiers: Orphanet 71290, MedGen C1832388, MeSH C563324, MONDO:0100083, OMIM 601399.

Submissions (2):

ClinGen Myeloid Malignancy Variant Curation Expert Panel
Classification: Uncertain significance for Hereditary thrombocytopenia and hematologic cancer predisposition syndrome. Last evaluated: 2024-09-30. Review status: reviewed by expert panel. Criteria: ClinGen MyeloMalig ACMG Specifications v2. Collection method: curation. Allele origin: germline. Inheritance: Autosomal dominant inheritance.
Comment: NM_001754.5(RUNX1):c.54dup (p.Arg19GlufsTer11) is a frameshift variant which occurs in an exon which is absent from isoforms a and b (PVS1 not applicable). This variant is completely absent from all population databases with at least 20x coverage for RUNX1 (PM2_Supporting). In summary, the clinical significance of this variant is uncertain. ACMG/AMP criteria applied, as specified by the Myeloid Malignancy Variant Curation Expert Panel for RUNX1: PM2_supporting.

Labcorp Genetics (formerly Invitae), Labcorp
Classification: Uncertain significance for Hereditary thrombocytopenia and hematological cancer predisposition syndrome associated with RUNX1. Last evaluated: 2022-11-23. Review status: criteria provided, single submitter. Criteria: Invitae Variant Classification Sherloc (09022015). Collection method: clinical testing. Allele origin: germline. Not counted in ClinVar's aggregate classification.
Comment: In summary, the available evidence is currently insufficient to determine the role of this variant in disease. Therefore, it has been classified as a Variant of Uncertain Significance. This variant has not been reported in the literature in individuals affected with RUNX1-related conditions. This variant is not present in population databases (gnomAD no frequency). This sequence change creates a premature translational stop signal (p.Arg19Glufs*11) in the RUNX1 gene. However, it is currently unclear if variants that occur in this region of the gene cause disease.